The following is an entry in ClinVar:

NM_017617.5(NOTCH1):c.5780C>T (p.Thr1927Met)

Gene: NOTCH1 (notch receptor 1; minus strand). Cytogenetic location: 9q34.3.
Variant type: single nucleotide variant.
Coding change: c.5780C>T on transcript NM_017617.5 (MANE Select); coding-DNA position 5780, C replaced by T.
Protein change: p.Thr1927Met; replaces threonine 1927 with methionine.
Molecular consequence: missense variant.
Genome position (GRCh38, 1-based): chr9:136,500,706, G>A on the plus strand (C>T on the coding strand, the complement: NOTCH1 is on the minus strand). VCF-style: chr9-136500706-G-A. GRCh37 (hg19) VCF-style: chr9-139395158-G-A.
Other names: c.5780C>T, p.Thr1927Met (LRG_1122t1); short protein forms T1927M.
Identifiers: ClinVar variation 477949 (VCV000477949.9), dbSNP rs1554826860, ClinGen allele CA375637168.

ClinVar aggregate classification (germline): Uncertain significance. Review status: criteria provided, multiple submitters, no conflicts (2 of 4 stars). 2 submissions from 2 submitters: Uncertain significance (2). Last evaluated 2026-03-27.

Conditions:
Adams-Oliver syndrome 5 (AOS5). Identifiers: Orphanet 974, MedGen C4014970, MONDO:0014459, OMIM 616028.
Familial thoracic aortic aneurysm and aortic dissection (TAAD). Also called: Thoracic aortic aneurysms and dissections. Identifiers: Orphanet 91387, MedGen C4707243, MONDO:0019625.

Allele frequency attached by ClinVar (database versions not stated): gnomAD exomes below 0.00001.
gnomAD v4.1: 5 of 1,609,788 alleles (0.00031%); highest among the groups gnomAD compares: Non-Finnish European, 0.00042%; no homozygotes.

Submissions (2):

Ambry Genetics
Classification: Uncertain significance for Familial thoracic aortic aneurysm and aortic dissection. Last evaluated: 2026-03-27. Review status: criteria provided, single submitter. Criteria: Ambry Variant Classification Scheme 2023. Collection method: clinical testing. Allele origin: germline.
Comment: The p.T1927M variant (also known as c.5780C>T), located in coding exon 31 of the NOTCH1 gene, results from a C to T substitution at nucleotide position 5780. The threonine at codon 1927 is replaced by methionine, an amino acid with similar properties. This amino acid position is highly conserved in available vertebrate species. In addition, the in silico prediction for this alteration is inconclusive. Based on the available evidence, the clinical significance of this variant remains unclear.

Labcorp Genetics (formerly Invitae), Labcorp
Classification: Uncertain significance for Adams-Oliver syndrome 5. Last evaluated: 2023-11-13. Review status: criteria provided, single submitter. Criteria: Invitae Variant Classification Sherloc (09022015). Collection method: clinical testing. Allele origin: germline.
Comment: This sequence change replaces threonine, which is neutral and polar, with methionine, which is neutral and non-polar, at codon 1927 of the NOTCH1 protein (p.Thr1927Met). This variant is not present in population databases (gnomAD no frequency). This variant has not been reported in the literature in individuals affected with NOTCH1-related conditions. ClinVar contains an entry for this variant (Variation ID: 477949). Advanced modeling of protein sequence and biophysical properties (such as structural, functional, and spatial information, amino acid conservation, physicochemical variation, residue mobility, and thermodynamic stability) performed at Invitae indicates that this missense variant is expected to disrupt NOTCH1 protein function with a positive predictive value of 80%. In summary, the available evidence is currently insufficient to determine the role of this variant in disease. Therefore, it has been classified as a Variant of Uncertain Significance.